The following is an entry in ClinVar:

NM_013314.4(BLNK):c.198T>A (p.Asp66Glu)

Gene: BLNK (B cell linker; minus strand). Cytogenetic location: 10q24.1.
Variant type: single nucleotide variant.
Coding change: c.198T>A on transcript NM_013314.4 (MANE Select); coding-DNA position 198, T replaced by A.
Protein change: p.Asp66Glu; replaces aspartic acid 66 with glutamic acid.
Molecular consequence: missense variant. On other transcripts: non-coding transcript variant (4).
Genome position (GRCh38, 1-based): chr10:96,230,800, A>T on the plus strand (T>A on the coding strand, the complement: BLNK is on the minus strand). VCF-style: chr10-96230800-A-T. GRCh37 (hg19) VCF-style: chr10-97990556-A-T.
Other names: c.198T>A, p.Asp66Glu (NM_001114094.2, NM_001258440.2, NM_001258441.2 and 1 more transcripts); short protein forms D66E.
Identifiers: ClinVar variation 1445588 (VCV001445588.6), dbSNP rs587721918, ClinGen allele CA5623559.

ClinVar aggregate classification (germline): Uncertain significance (1 of 4 stars; one submission).

Conditions:
Agammaglobulinemia 4, autosomal recessive (AGM4). Also called: B cell linker protein deficiency; AGAMMAGLOBULINEMIA, AUTOSOMAL RECESSIVE, DUE TO BLNK DEFECT. Identifiers: MedGen C3150752, MONDO:0013289, OMIM 613502.

Allele frequency attached by ClinVar (database versions not stated): ExAC 0.00001; 1000 Genomes Project 30x 0.00016; 1000 Genomes Project 0.00020.
gnomAD v4.1: 1 of 1,610,484 alleles (0.000062%); highest among the groups gnomAD compares: African/African-American, 0.0013%; no homozygotes.

Submission:

Labcorp Genetics (formerly Invitae), Labcorp
Classification: Uncertain significance for Agammaglobulinemia 4, autosomal recessive. Last evaluated: 2023-08-04. Review status: criteria provided, single submitter. Criteria: Invitae Variant Classification Sherloc (09022015). Collection method: clinical testing. Allele origin: germline.
Comment: An algorithm developed to predict the effect of missense changes on protein structure and function (PolyPhen-2) suggests that this variant is likely to be disruptive. In summary, the available evidence is currently insufficient to determine the role of this variant in disease. Therefore, it has been classified as a Variant of Uncertain Significance. ClinVar contains an entry for this variant (Variation ID: 1445588). This sequence change replaces aspartic acid, which is acidic and polar, with glutamic acid, which is acidic and polar, at codon 66 of the BLNK protein (p.Asp66Glu). The frequency data for this variant in the population databases is considered unreliable, as metrics indicate poor data quality at this position in the gnomAD database. This variant has not been reported in the literature in individuals affected with BLNK-related conditions.